The following is an entry in ClinVar:

NM_000353.3(TAT):c.769G>A (p.Asp257Asn)

Genes: TAT (tyrosine aminotransferase; minus strand), TAT-AS1 (TAT antisense RNA 1; plus strand). Cytogenetic location: 16q22.2.
Variant type: single nucleotide variant.
Coding change: c.769G>A on transcript NM_000353.3 (MANE Select); coding-DNA position 769, G replaced by A.
Protein change: p.Asp257Asn; replaces aspartic acid 257 with asparagine.
Molecular consequence: missense variant.
Genome position (GRCh38, 1-based): chr16:71,570,822, C>T on the plus strand (G>A on the coding strand, the complement: TAT is on the minus strand). VCF-style: chr16-71570822-C-T. GRCh37 (hg19) VCF-style: chr16-71604725-C-T.
Other names: short protein forms D257N.
Identifiers: ClinVar variation 2045794 (VCV002045794.1), dbSNP rs764191210, ClinGen allele CA8153890.
Genomic context (GRCh38, chr16:71,570,822, plus strand): 5'-CTCCACAGGACAGGATGGGGACATCGGTGCTGAGGGTGGCCAGTGGTTCATATTTGCAAT[C>T]CGAAAACACCTGAGAAGAGGCACTTGTTATGGTTGTTTTCTTGTCTACTTCTCACTGCAA-3'
Protein context (NP_000344.1, residues 247-267): DEIYGDMVFS[Asp257Asn]CKYEPLATLS

ClinVar aggregate classification (germline): Uncertain significance (1 of 4 stars; one submission).

Conditions:
Tyrosinemia type II (TYRSN2). Also called: KERATOSIS PALMOPLANTARIS WITH CORNEAL DYSTROPHY; OREGON TYPE TYROSINEMIA; TAT DEFICIENCY; TYROSINE AMINOTRANSFERASE DEFICIENCY; TYROSINE TRANSAMINASE DEFICIENCY. Identifiers: Orphanet 28378, MedGen C0268487, MONDO:0010160, OMIM 276600.

Allele frequency attached by ClinVar (database versions not stated): gnomAD 0.00001; ExAC 0.00005; TOPMed 0.00005.

Submission:

Labcorp Genetics (formerly Invitae), Labcorp
Classification: Uncertain significance for Tyrosinemia type II. Last evaluated: 2022-10-12. Review status: criteria provided, single submitter. Criteria: Invitae Variant Classification Sherloc (09022015). Collection method: clinical testing. Allele origin: germline.
Comment: This sequence change replaces aspartic acid, which is acidic and polar, with asparagine, which is neutral and polar, at codon 257 of the TAT protein (p.Asp257Asn). This variant is present in population databases (rs764191210, gnomAD 0.05%). This variant has not been reported in the literature in individuals affected with TAT-related conditions. Advanced modeling of protein sequence and biophysical properties (such as structural, functional, and spatial information, amino acid conservation, physicochemical variation, residue mobility, and thermodynamic stability) performed at Invitae indicates that this missense variant is not expected to disrupt TAT protein function. In summary, the available evidence is currently insufficient to determine the role of this variant in disease. Therefore, it has been classified as a Variant of Uncertain Significance.